The following is an entry in ClinVar:

ClinVar aggregate classification (germline): Uncertain significance. Review status: criteria provided, multiple submitters, no conflicts (2 of 4 stars). 3 submissions from 3 submitters: Uncertain significance (2). 1 of the submissions does not count toward it. Last evaluated 2025-03-28.

Conditions:
Alstrom syndrome (ALMS). Identifiers: Orphanet 64, MedGen C0268425, MONDO:0008763, OMIM 203800.
Cardiovascular phenotype. Identifiers: MedGen CN230736.

Allele frequency attached by ClinVar (database versions not stated): TOPMed below 0.00001; ExAC 0.00001; gnomAD 0.00001; gnomAD exomes 0.00001 and 0.00002.
gnomAD v4.1: 11 of 1,613,732 alleles (0.00068%); highest among the groups gnomAD compares: Non-Finnish European, 0.00093%; no homozygotes.

Submissions (3):

Ambry Genetics
Classification: Uncertain significance for Cardiovascular phenotype. Last evaluated: 2025-03-28. Review status: criteria provided, single submitter. Criteria: Ambry Variant Classification Scheme 2023. Collection method: clinical testing. Allele origin: germline.
Comment: The p.I3546M variant (also known as c.10638A>G), located in coding exon 16 of the ALMS1 gene, results from an A to G substitution at nucleotide position 10638. The isoleucine at codon 3546 is replaced by methionine, an amino acid with highly similar properties. This amino acid position is not well conserved in available vertebrate species. In addition, this alteration is predicted to be tolerated by in silico analysis. Based on the available evidence, the clinical significance of this variant remains unclear.

Labcorp Genetics (formerly Invitae), Labcorp
Classification: Uncertain significance for Alstrom syndrome. Last evaluated: 2022-02-05. Review status: criteria provided, single submitter. Criteria: Invitae Variant Classification Sherloc (09022015). Collection method: clinical testing. Allele origin: germline.
Comment: This sequence change replaces isoleucine, which is neutral and non-polar, with methionine, which is neutral and non-polar, at codon 3546 of the ALMS1 protein (p.Ile3546Met). The frequency data for this variant in the population databases is considered unreliable, as metrics indicate poor data quality at this position in the gnomAD database. This variant has not been reported in the literature in individuals affected with ALMS1-related conditions. ClinVar contains an entry for this variant (Variation ID: 529373). In summary, the available evidence is currently insufficient to determine the role of this variant in disease. Therefore, it has been classified as a Variant of Uncertain Significance.

Natera, Inc.
Classification: Uncertain significance for Alstrom syndrome. Last evaluated: 2019-10-28. Review status: no assertion criteria provided. Collection method: clinical testing. Allele origin: germline. Not counted in ClinVar's aggregate classification.

NM_001378454.1(ALMS1):c.10635A>G (p.Ile3545Met)

Gene: ALMS1 (ALMS1 centrosome and basal body associated protein; plus strand). Cytogenetic location: 2p13.1.
Variant type: single nucleotide variant.
Coding change: c.10635A>G on transcript NM_001378454.1 (MANE Select); coding-DNA position 10635, A replaced by G.
Protein change: p.Ile3545Met; replaces isoleucine 3545 with methionine.
Molecular consequence: missense variant.
Genome position (GRCh38, 1-based): chr2:73,572,512, A>G. VCF-style: chr2-73572512-A-G. GRCh37 (hg19) VCF-style: chr2-73799639-A-G.
Other names: c.10638A>G, p.Ile3546Met (NM_015120.4); short protein forms I3546M, I3545M.
Identifiers: ClinVar variation 529373 (VCV000529373.12), dbSNP rs760321819, ClinGen allele CA1715038.
Genomic context (GRCh38, chr2:73,572,512, plus strand): 5'-CATGTGTCTTCCTCTTCCTTATCAAAACATGGACAAGACTAAGACAGATTATACCAGAAT[A>G]AAGAGCCTCAGCATCAATGTGAATTTGGGAAACAAAGAAGTGATGGATACTACTAAAAGT-3'
Protein context (NP_001365383.1, residues 3535-3555): MDKTKTDYTR[Ile3545Met]KSLSINVNLG